The following is an entry in ClinVar:

NM_022081.6(HPS4):c.617C>T (p.Pro206Leu)

Gene: HPS4 (HPS4 biogenesis of lysosomal organelles complex 3 subunit 2; minus strand). Cytogenetic location: 22q12.1.
Variant type: single nucleotide variant.
Coding change: c.617C>T on transcript NM_022081.6 (MANE Select); coding-DNA position 617, C replaced by T.
Protein change: p.Pro206Leu; replaces proline 206 with leucine.
Molecular consequence: missense variant. On other transcripts: non-coding transcript variant (8).
Genome position (GRCh38, 1-based): chr22:26,468,603, G>A on the plus strand (C>T on the coding strand, the complement: HPS4 is on the minus strand). VCF-style: chr22-26468603-G-A. GRCh37 (hg19) VCF-style: chr22-26864569-G-A.
Other names: c.617C>T, p.Pro206Leu (NM_001349896.1, NM_001349898.2, NM_001349899.2 and 6 more transcripts); c.602C>T, p.Pro201Leu (NM_152841.2); short protein forms P201L, P206L.
Identifiers: ClinVar variation 341019 (VCV000341019.9), dbSNP rs746492833, ClinGen allele CA10163615.

ClinVar aggregate classification (germline): Uncertain significance. Review status: criteria provided, multiple submitters, no conflicts (2 of 4 stars). 2 submissions from 2 submitters: Uncertain significance (2). Last evaluated 2021-08-28.

Conditions:
Hermansky-Pudlak syndrome 4 (HPS4). Identifiers: Orphanet 231500, Orphanet 79430, MedGen C3484357, MONDO:0013556, OMIM 614073.

Allele frequency attached by ClinVar (database versions not stated): gnomAD exomes 0.00001 and 0.00003; TOPMed 0.00001; ExAC 0.00003.
gnomAD v4.1: 14 of 1,614,082 alleles (0.00087%); highest among the groups gnomAD compares: South Asian, 0.0033%; no homozygotes.

Submissions (2):

Labcorp Genetics (formerly Invitae), Labcorp
Classification: Uncertain significance. Last evaluated: 2021-08-28. Review status: criteria provided, single submitter. Criteria: Invitae Variant Classification Sherloc (09022015). Collection method: clinical testing. Allele origin: germline.
Comment: This sequence change replaces proline with leucine at codon 206 of the HPS4 protein (p.Pro206Leu). The proline residue is moderately conserved and there is a moderate physicochemical difference between proline and leucine. This variant is present in population databases (rs746492833, ExAC 0.006%). This variant has not been reported in the literature in individuals affected with HPS4-related conditions. ClinVar contains an entry for this variant (Variation ID: 341019). Algorithms developed to predict the effect of missense changes on protein structure and function output the following: SIFT: "Tolerated"; PolyPhen-2: "Benign"; Align-GVGD: "Class C0". The leucine amino acid residue is found in multiple mammalian species, which suggests that this missense change does not adversely affect protein function. In summary, the available evidence is currently insufficient to determine the role of this variant in disease. Therefore, it has been classified as a Variant of Uncertain Significance.

Illumina Laboratory Services, Illumina
Classification: Uncertain significance for Hermansky-Pudlak syndrome 4. Last evaluated: 2018-01-13. Review status: criteria provided, single submitter. Criteria: ICSL Variant Classification Criteria 13 December 2019. Collection method: clinical testing. Allele origin: germline.